The following is an entry in ClinVar:

NM_174936.4(PCSK9):c.1173C>T (p.His391=)

Gene: PCSK9 (proprotein convertase subtilisin/kexin type 9; plus strand). Cytogenetic location: 1p32.3.
Variant type: single nucleotide variant.
Coding change: c.1173C>T on transcript NM_174936.4 (MANE Select); coding-DNA position 1173, C replaced by T.
Protein change: p.His391=; no amino-acid change (histidine 391 retained).
Molecular consequence: synonymous variant. On other transcripts: non-coding transcript variant (8).
Genome position (GRCh38, 1-based): chr1:55,057,507, C>T. VCF-style: chr1-55057507-C-T. GRCh37 (hg19) VCF-style: chr1-55523180-C-T.
Other names: c.1296C>T, p.His432= (NM_001407240.1); c.1173C>T, p.His391= (NM_001407241.1, NM_001407244.1, NM_001407247.1); c.1176C>T, p.His392= (NM_001407242.1); c.1116C>T, p.His372= (NM_001407243.1); c.981C>T, p.His327= (NM_001407245.1); c.798C>T, p.His266= (NM_001407246.1).
Identifiers: ClinVar variation 242026 (VCV000242026.47), dbSNP rs149097297, ClinGen allele CA871488.
Genomic context (GRCh38, chr1:55,057,507, plus strand): 5'-CTCCAGCGACTGCAGCACCTGCTTTGTGTCACAGAGTGGGACATCACAGGCTGCTGCCCA[C>T]GTGGCTGGTAAGTCACCACCCCACTGCCTCGGCCACCGTGATGCTAACAGCCCCTTTGGC-3'
Protein context (NP_777596.2, residues 381-401): SQSGTSQAAA[His391=]VAGIAAMMLS

ClinVar aggregate classification (germline): Likely benign. Review status: criteria provided, multiple submitters, no conflicts (2 of 4 stars). 9 submissions from 9 submitters: Likely benign (9). Last evaluated 2026-01-27.

Conditions:
Cardiovascular phenotype. Identifiers: MedGen CN230736.
Hypercholesterolemia, familial, 1. Also called: LDL RECEPTOR DISORDER; Hyperlipoproteinemia Type IIa; HYPER-LOW-DENSITY-LIPOPROTEINEMIA; HYPERCHOLESTEROLEMIC XANTHOMATOSIS, FAMILIAL; Fredrickson type IIa hyperlipoproteinemia; Hyperlipoproteinemia type 2. Identifiers: Orphanet 391665, MedGen C0745103, MONDO:0007750, OMIM 143890.
Familial hypercholesterolemia. Also called: Familial hypercholesterolaemia; Familial hypercholesterolemias. Identifiers: MedGen C0020445, MONDO:0005439.
Hypercholesterolemia, autosomal dominant, 3 (FHCL3). Also called: Familial Hypercholesterolemia, Autosomal Dominant, 3; PCSK9-Related Familial Hypercholesterolemia, Autosomal Dominant; Familial hypercholesterolemia 3. Identifiers: MedGen C1863551, MONDO:0011369, OMIM 603776.

Allele frequency attached by ClinVar (database versions not stated): gnomAD exomes 0.00006 and 0.00012; gnomAD 0.00007; TOPMed 0.00007; ExAC 0.00008; ESP Exome Variant Server 0.00031.
gnomAD v4.1: 177 of 1,610,968 alleles (0.011%); highest among the groups gnomAD compares: Non-Finnish European, 0.014%; no homozygotes.

Submissions (9):

Labcorp Genetics (formerly Invitae), Labcorp
Classification: Likely benign for Hypercholesterolemia, autosomal dominant, 3. Last evaluated: 2026-01-27. Review status: criteria provided, single submitter. Criteria: Invitae Variant Classification Sherloc (09022015). Collection method: clinical testing. Allele origin: germline.

Molecular Diagnostic Laboratory for Inherited Cardiovascular Disease, Montreal Heart Institute
Classification: Likely benign. Last evaluated: 2025-07-24. Review status: criteria provided, single submitter. Criteria: ACMG Guidelines, 2015. Collection method: clinical testing. Allele origin: germline. Affected: no.
Comment: BP7

Blueprint Genetics
Classification: Likely benign. Last evaluated: 2024-09-23. Review status: criteria provided, single submitter. Criteria: ACMG Guidelines, 2015. Collection method: clinical testing. Allele origin: germline.

CeGaT Center for Human Genetics Tuebingen
Classification: Likely benign. Last evaluated: 2024-03-01. Review status: criteria provided, single submitter. Criteria: CeGaT Center For Human Genetics Tuebingen Variant Classification Criteria Version 2. Collection method: clinical testing. Allele origin: germline. Affected: yes. Observed: 3 variant alleles.
Comment: PCSK9: BP4, BP7

All of Us Research Program, National Institutes of Health
Classification: Likely benign for Hypercholesterolemia, autosomal dominant, 3. Last evaluated: 2024-01-11. Review status: criteria provided, single submitter. Criteria: ACMG Guidelines, 2015. Collection method: clinical testing. Allele origin: germline. Inheritance: Autosomal dominant inheritance. Observed: 28 variant alleles, 28 heterozygotes.
Comment: This study involves interpretation of variants in research participants for the purpose of population health screening. Participant phenotype was not available at the time of variant classification. Additional details can be found in publication PMID: 35346344, PMCID: PMC8962531

GENinCode PLC
Classification: Likely benign for Familial hypercholesterolemia. Last evaluated: 2023-07-07. Review status: criteria provided, single submitter. Criteria: ACMG Guidelines, 2015. Collection method: clinical testing. Allele origin: germline.
Comment: This is a synonymous (silent) variant that is not predicted by SpliceAI to impact splicing. In addition, it occurs at a nucleotide that is not conserved. Therefore this variant has been classified as Likely Benign (BP4, BP7).

Fulgent Genetics
Classification: Likely benign for Hypercholesterolemia, autosomal dominant, 3. Last evaluated: 2021-07-21. Review status: criteria provided, single submitter. Criteria: ACMG Guidelines, 2015. Collection method: clinical testing. Allele origin: unknown.

Ambry Genetics
Classification: Likely benign for Cardiovascular phenotype. Last evaluated: 2020-11-09. Review status: criteria provided, single submitter. Criteria: Ambry Variant Classification Scheme 2023. Collection method: clinical testing. Allele origin: germline.

Color Diagnostics, LLC DBA Color Health
Classification: Likely benign for Familial hypercholesterolemia. Last evaluated: 2017-11-09. Review status: criteria provided, single submitter. Criteria: ACMG Guidelines, 2015. Collection method: clinical testing. Allele origin: germline.